The following is an entry in ClinVar:

NM_006031.6(PCNT):c.9517A>G (p.Met3173Val)

Gene: PCNT (pericentrin; plus strand). Cytogenetic location: 21q22.3.
Variant type: single nucleotide variant.
Coding change: c.9517A>G on transcript NM_006031.6 (MANE Select); coding-DNA position 9517, A replaced by G.
Protein change: p.Met3173Val; replaces methionine 3173 with valine.
Molecular consequence: missense variant.
Genome position (GRCh38, 1-based): chr21:46,440,978, A>G. VCF-style: chr21-46440978-A-G. GRCh37 (hg19) VCF-style: chr21-47860891-A-G.
Other names: c.8926A>G, p.Met2976Val (NM_001315529.2); short protein forms M2976V, M3173V.
Identifiers: ClinVar variation 1924793 (VCV001924793.2), dbSNP rs145016538, ClinGen allele CA10081341.

ClinVar aggregate classification (germline): Uncertain significance (1 of 4 stars; one submission).

Allele frequency attached by ClinVar (database versions not stated): gnomAD exomes 0.00001; ExAC 0.00002; TOPMed 0.00002; gnomAD 0.00003; ESP Exome Variant Server 0.00008.
gnomAD v4.1: 16 of 1,613,644 alleles (0.00099%); highest among the groups gnomAD compares: African/African-American, 0.0093%; no homozygotes.

Submission:

Labcorp Genetics (formerly Invitae), Labcorp
Classification: Uncertain significance. Last evaluated: 2022-07-29. Review status: criteria provided, single submitter. Criteria: Invitae Variant Classification Sherloc (09022015). Collection method: clinical testing. Allele origin: germline.
Comment: This sequence change replaces methionine, which is neutral and non-polar, with valine, which is neutral and non-polar, at codon 3173 of the PCNT protein (p.Met3173Val). This variant is present in population databases (rs145016538, gnomAD 0.009%). This variant has not been reported in the literature in individuals affected with PCNT-related conditions. Algorithms developed to predict the effect of missense changes on protein structure and function are either unavailable or do not agree on the potential impact of this missense change (SIFT: "Deleterious"; PolyPhen-2: "Benign"; Align-GVGD: "Class C0"). In summary, the available evidence is currently insufficient to determine the role of this variant in disease. Therefore, it has been classified as a Variant of Uncertain Significance.